The following is an entry in ClinVar:

ClinVar aggregate classification (germline): Uncertain significance (1 of 4 stars; one submission).

Conditions:
Dilated cardiomyopathy 1J (CMD1J). Also called: CARDIOMYOPATHY, DILATED, WITH SENSORINEURAL HEARING LOSS, AUTOSOMAL DOMINANT. Identifiers: Orphanet 217622, MedGen C1854368, MONDO:0011541, OMIM 605362.

Submission:

Labcorp Genetics (formerly Invitae), Labcorp
Classification: Uncertain significance for Dilated cardiomyopathy 1J. Last evaluated: 2025-11-24. Review status: criteria provided, single submitter. Criteria: Invitae Variant Classification Sherloc (09022015). Collection method: clinical testing. Allele origin: germline.
Comment: This sequence change replaces alanine, which is neutral and non-polar, with valine, which is neutral and non-polar, at codon 79 of the EYA4 protein (p.Ala79Val). This variant is not present in population databases (gnomAD no frequency). This variant has not been reported in the literature in individuals affected with EYA4-related conditions. An algorithm developed to predict the effect of missense changes on protein structure and function (PolyPhen-2) suggests that this variant is likely to be disruptive. In summary, the available evidence is currently insufficient to determine the role of this variant in disease. Therefore, it has been classified as a Variant of Uncertain Significance.

NM_004100.5(EYA4):c.236C>T (p.Ala79Val)

Gene: EYA4 (EYA transcriptional coactivator and phosphatase 4; plus strand). Cytogenetic location: 6q23.2.
Variant type: single nucleotide variant.
Coding change: c.236C>T on transcript NM_004100.5 (MANE Select); coding-DNA position 236, C replaced by T.
Protein change: p.Ala79Val; replaces alanine 79 with valine.
Molecular consequence: missense variant. On other transcripts: intron variant (4).
Genome position (GRCh38, 1-based): chr6:133,448,138, C>T. VCF-style: chr6-133448138-C-T. GRCh37 (hg19) VCF-style: chr6-133769276-C-T.
Other names: c.236C>T, p.Ala79Val (NM_001301013.2, NM_172105.4); c.208+1384C>T (NM_001370458.1, NM_172103.4, NM_001370459.1 and 1 more transcripts); short protein forms A79V.
Identifiers: ClinVar variation 4731864 (VCV004731864.1).
Genomic context (GRCh38, chr6:133,448,138, plus strand): 5'-GACAATGAACTTTTATACTGTTCCTGTTCTCAGGGGAAAACATGACTGTTTTAAACACAG[C>T]AGACTGGTTGCTGAGTTGCAACACCCCCTCTTCTGCAACAAGTATGAGAGATGCTGGTAC-3'
Protein context (NP_004091.3, residues 69-89): GGENMTVLNT[Ala79Val]DWLLSCNTPS